The following is an entry in ClinVar:

NM_000512.5(GALNS):c.759-67G>A

Gene: GALNS (galactosamine (N-acetyl)-6-sulfatase; minus strand). Cytogenetic location: 16q24.3.
Variant type: single nucleotide variant.
Coding change: c.759-67G>A on transcript NM_000512.5 (MANE Select); 67 bases into the intron before coding-DNA position 759, G replaced by A.
Molecular consequence: intron variant.
Genome position (GRCh38, 1-based): chr16:88,835,419, C>T on the plus strand (G>A on the coding strand, the complement: GALNS is on the minus strand). VCF-style: chr16-88835419-C-T. GRCh37 (hg19) VCF-style: chr16-88901827-C-T.
Other names: c.204-67G>A (NM_001323543.2); c.777-67G>A (NM_001323544.2).
Identifiers: ClinVar variation 1048296 (VCV001048296.17), dbSNP rs565875595, ClinGen allele CA286402589.
Genomic context (GRCh38, chr16:88,835,419, plus strand): 5'-GATGGTGACAAAAGGCATCTCCATACCTGGAGGATGGTGACAAATGGATCAGGCAGCCAA[C>T]GGCATACTGTGATTCACGGAGTTCATTAAATCATAACTTCACAGACCACAGTGAAACTGG-3'

ClinVar aggregate classification (germline): Conflicting classifications of pathogenicity. Review status: criteria provided, conflicting classifications (1 of 4 stars). 3 submissions from 3 submitters: Uncertain significance (1); Benign (1); Likely benign (1). Last evaluated 2026-08-01.

Conditions:
Mucopolysaccharidosis, MPS-IV-A (MPS4A). Also called: Morquio syndrome A, mild; MPS IVA; MORQUIO SYNDROME A; GALACTOSAMINE-6-SULFATASE DEFICIENCY; GALNS DEFICIENCY; MORQUIO A DISEASE. Identifiers: Orphanet 309297, Orphanet 582, MedGen C0086651, MONDO:0009659, OMIM 253000.

Allele frequency attached by ClinVar (database versions not stated): 1000 Genomes Project 30x 0.00047; 1000 Genomes Project 0.00060; TOPMed 0.00224; gnomAD 0.00297 and 0.00305; gnomAD exomes 0.00359.
gnomAD v4.1: 5,580 of 1,586,626 alleles (0.35%); highest among the groups gnomAD compares: Non-Finnish European, 0.43%; 16 homozygotes.

Submissions (3):

CeGaT Center for Human Genetics Tuebingen
Classification: Likely benign. Last evaluated: 2026-08-01. Review status: criteria provided, single submitter. Criteria: CeGaT Center For Human Genetics Tuebingen Variant Classification Criteria Version 2. Collection method: clinical testing. Allele origin: germline. Affected: yes. Observed: 3 variant alleles.
Comment: GALNS: BS2

Labcorp Genetics (formerly Invitae), Labcorp
Classification: Benign for Mucopolysaccharidosis, MPS-IV-A. Last evaluated: 2024-02-16. Review status: criteria provided, single submitter. Criteria: Invitae Variant Classification Sherloc (09022015). Collection method: clinical testing. Allele origin: germline.

Laboratory of Diagnosis and Therapy of Lysosomal Disorders, University of Padova
Classification: Uncertain significance for Mucopolysaccharidosis, MPS-IV-A. Last evaluated: 2021-02-01. Review status: criteria provided, single submitter. Criteria: ACMG Guidelines, 2015. Collection method: curation. Allele origin: germline. Affected: yes.
Comment: Allele frequency is greater than expected for disorder (BS1_strong)

Literature cited by the submitters: PubMed 30305043 (cited by Laboratory of Diagnosis and Therapy of Lysosomal Disorders, University of Padova); PubMed 34387910 (cited by Laboratory of Diagnosis and Therapy of Lysosomal Disorders, University of Padova).